The following is an entry in ClinVar:

ClinVar aggregate classification (germline): Pathogenic/Likely pathogenic. Review status: criteria provided, multiple submitters, no conflicts (2 of 4 stars). 2 submissions from 2 submitters: Pathogenic (1); Likely pathogenic (1). Last evaluated 2025-02-04.

Conditions:
Cardiovascular phenotype. Identifiers: MedGen CN230736.
Telangiectasia, hereditary hemorrhagic, type 2 (HHT2). Also called: ACVRL1-Related Hereditary Hemorrhagic Telangiectasia; Telangiectasia, hereditary hemorrhagic, type II. Identifiers: Orphanet 774, MedGen C1838163, MONDO:0010880, OMIM 600376. Disease mechanism: loss of function.

Submissions (2):

Ambry Genetics
Classification: Likely pathogenic for Cardiovascular phenotype. Last evaluated: 2025-02-04. Review status: criteria provided, single submitter. Criteria: Ambry Variant Classification Scheme 2023. Collection method: clinical testing. Allele origin: germline.
Comment: The p.K323E variant (also known as c.967A>G), located in coding exon 6 of the ACVRL1 gene, results from an A to G substitution at nucleotide position 967. The lysine at codon 323 is replaced by glutamic acid, an amino acid with similar properties. This variant was reported in individual(s) with features consistent with hereditary hemorrhagic telangiectasia (Ambry internal data; external communication). Based on internal structural analysis, this variant is moderately destabilizing to the local structure (Kerr G et al. Angiogenesis, 2015 Apr;18:209-17). This amino acid position is highly conserved in available vertebrate species. In addition, this alteration is predicted to be deleterious by in silico analysis. This variant is considered to be rare based on population cohorts in the Genome Aggregation Database (gnomAD). Based on the majority of available evidence to date, this variant is likely to be pathogenic.

Labcorp Genetics (formerly Invitae), Labcorp
Classification: Pathogenic for Telangiectasia, hereditary hemorrhagic, type 2. Last evaluated: 2023-12-23. Review status: criteria provided, single submitter. Criteria: Invitae Variant Classification Sherloc (09022015). Collection method: clinical testing. Allele origin: germline.
Comment: This sequence change replaces lysine, which is basic and polar, with glutamic acid, which is acidic and polar, at codon 323 of the ACVRL1 protein (p.Lys323Glu). This variant is not present in population databases (gnomAD no frequency). This missense change has been observed in individual(s) with hereditary hemorrhagic telangiectasia (Invitae). ClinVar contains an entry for this variant (Variation ID: 1767756). Advanced modeling of protein sequence and biophysical properties (such as structural, functional, and spatial information, amino acid conservation, physicochemical variation, residue mobility, and thermodynamic stability) performed at Invitae indicates that this missense variant is expected to disrupt ACVRL1 protein function with a positive predictive value of 95%. This variant disrupts the p.Lys323 amino acid residue in ACVRL1. Other variant(s) that disrupt this residue have been determined to be pathogenic (Invitae). This suggests that this residue is clinically significant, and that variants that disrupt this residue are likely to be disease-causing. For these reasons, this variant has been classified as Pathogenic.

Literature cited by the submitters: PubMed 25557927 (cited by Ambry Genetics).

NM_000020.3(ACVRL1):c.967A>G (p.Lys323Glu)

Gene: ACVRL1 (activin A receptor like type 1; plus strand). Cytogenetic location: 12q13.13.
Variant type: single nucleotide variant.
Coding change: c.967A>G on transcript NM_000020.3 (MANE Select); coding-DNA position 967, A replaced by G.
Protein change: p.Lys323Glu; replaces lysine 323 with glutamic acid.
Molecular consequence: missense variant.
Genome position (GRCh38, 1-based): chr12:51,915,419, A>G. VCF-style: chr12-51915419-A-G. GRCh37 (hg19) VCF-style: chr12-52309203-A-G.
Other names: c.967A>G, p.Lys323Glu (NM_001077401.2, NM_001406487.1, NM_001406488.1 and 1 more transcripts); c.655A>G, p.Lys219Glu (NM_001406490.1, NM_001406491.1, NM_001406492.1 and 2 more transcripts); c.403A>G, p.Lys135Glu (NM_001406495.1); short protein forms K135E, K219E, K323E.
Identifiers: ClinVar variation 1767756 (VCV001767756.6), dbSNP rs2540164690, ClinGen allele CA384901351.